The following is an entry in ClinVar:

NM_013254.4(TBK1):c.1496C>G (p.Ser499Ter)

Gene: TBK1 (TANK binding kinase 1; plus strand). Cytogenetic location: 12q14.2.
Variant type: single nucleotide variant.
Coding change: c.1496C>G on transcript NM_013254.4 (MANE Select); coding-DNA position 1496, C replaced by G.
Protein change: p.Ser499Ter; replaces serine 499 with a stop codon.
Molecular consequence: nonsense.
Genome position (GRCh38, 1-based): chr12:64,490,094, C>G. VCF-style: chr12-64490094-C-G. GRCh37 (hg19) VCF-style: chr12-64883874-C-G.
Other names: short protein forms S499*.
Identifiers: ClinVar variation 2137386 (VCV002137386.4), dbSNP rs1280163869, ClinGen allele CA385603171.

ClinVar aggregate classification (germline): Pathogenic (1 of 4 stars; one submission).

Conditions:
Frontotemporal dementia and/or amyotrophic lateral sclerosis 4. Also called: FTDALS4. Identifiers: Orphanet 275872, MedGen C4225325, MONDO:0014641, OMIM 616439.

gnomAD v4.1: 1 of 1,611,100 alleles (0.000062%); highest among the groups gnomAD compares: Non-Finnish European, 0.000085%; no homozygotes.

Submission:

Labcorp Genetics (formerly Invitae), Labcorp
Classification: Pathogenic for Frontotemporal dementia and/or amyotrophic lateral sclerosis 4. Last evaluated: 2021-12-18. Review status: criteria provided, single submitter. Criteria: Invitae Variant Classification Sherloc (09022015). Collection method: clinical testing. Allele origin: germline.
Comment: For these reasons, this variant has been classified as Pathogenic. This premature translational stop signal has been observed in individual(s) with amyotrophic lateral sclerosis (PMID: 32980182). This variant is present in population databases (no rsID available, gnomAD 0.002%). This sequence change creates a premature translational stop signal (p.Ser499*) in the TBK1 gene. It is expected to result in an absent or disrupted protein product. Loss-of-function variants in TBK1 are known to be pathogenic (PMID: 25803835, 26476236, 26581300).

Literature cited by the submitters: PubMed 32980182; PubMed 25803835; PubMed 26476236; PubMed 26581300.